The following is an entry in ClinVar:

NM_181536.2(PKD1L3):c.4715G>A (p.Arg1572His)

Gene: PKD1L3 (polycystin 1 like 3, transient receptor potential channel interacting; minus strand). Cytogenetic location: 16q22.2.
Variant type: single nucleotide variant.
Coding change: c.4715G>A on transcript NM_181536.2 (MANE Select); coding-DNA position 4715, G replaced by A.
Protein change: p.Arg1572His; replaces arginine 1572 with histidine.
Molecular consequence: missense variant.
Genome position (GRCh38, 1-based): chr16:71,934,024, C>T on the plus strand (G>A on the coding strand, the complement: PKD1L3 is on the minus strand). VCF-style: chr16-71934024-C-T. GRCh37 (hg19) VCF-style: chr16-71967927-C-T.
Other names: short protein forms R1572H.
Identifiers: ClinVar variation 1221070 (VCV001221070.4), dbSNP rs17358402, ClinGen allele CA8157771.

ClinVar aggregate classification (germline): Benign. Review status: criteria provided, multiple submitters, no conflicts (2 of 4 stars). 2 submissions from 2 submitters: Benign (2). Last evaluated 2019-01-11.

Allele frequency attached by ClinVar (database versions not stated): 1000 Genomes Project 30x 0.12508; 1000 Genomes Project 0.12700; TOPMed 0.18756; gnomAD 0.19769 and 0.19964; gnomAD exomes 0.20650; ExAC 0.20893; ESP Exome Variant Server 0.22251.
gnomAD v4.1: 373,851 of 1,551,614 alleles (24%); highest among the groups gnomAD compares: Middle Eastern, 29%; 48,053 homozygotes.

Submissions (2):

GeneDx
Classification: Benign. Last evaluated: 2019-01-11. Review status: criteria provided, single submitter. Criteria: GeneDx Variant Classification Process June 2021. Collection method: clinical testing. Allele origin: germline. Affected: yes.
Comment: This variant is associated with the following publications: (PMID: 29083407)

Breakthrough Genomics
Classification: Benign. Review status: criteria provided, single submitter. Criteria: ACMG Guidelines, 2015. Collection method: not provided. Allele origin: germline. Inheritance: Unknown mechanism. Affected: yes.